The following is an entry in ClinVar:

ClinVar aggregate classification (germline): Uncertain significance. Review status: criteria provided, multiple submitters, no conflicts (2 of 4 stars). 2 submissions from 2 submitters: Uncertain significance (2). Last evaluated 2024-06-20.

Allele frequency attached by ClinVar (database versions not stated): gnomAD 0.00001; TOPMed 0.00002.
gnomAD v4.1: 4 of 1,611,340 alleles (0.00025%); highest among the groups gnomAD compares: Non-Finnish European, 0.00034%; no homozygotes.

Submissions (2):

Labcorp Genetics (formerly Invitae), Labcorp
Classification: Uncertain significance. Last evaluated: 2024-06-20. Review status: criteria provided, single submitter. Criteria: Invitae Variant Classification Sherloc (09022015). Collection method: clinical testing. Allele origin: germline.
Comment: This sequence change replaces aspartic acid, which is acidic and polar, with alanine, which is neutral and non-polar, at codon 806 of the IL12RB2 protein (p.Asp806Ala). This variant is not present in population databases (gnomAD no frequency). This variant has not been reported in the literature in individuals affected with IL12RB2-related conditions. ClinVar contains an entry for this variant (Variation ID: 1933533). An algorithm developed to predict the effect of missense changes on protein structure and function (PolyPhen-2) suggests that this variant is likely to be tolerated. In summary, the available evidence is currently insufficient to determine the role of this variant in disease. Therefore, it has been classified as a Variant of Uncertain Significance.

Ambry Genetics
Classification: Uncertain significance. Last evaluated: 2023-06-13. Review status: criteria provided, single submitter. Criteria: Ambry Variant Classification Scheme 2023. Collection method: clinical testing. Allele origin: germline.

NM_001374259.2(IL12RB2):c.2417A>C (p.Asp806Ala)

Gene: IL12RB2 (interleukin 12 receptor subunit beta 2; plus strand). Cytogenetic location: 1p31.3.
Variant type: single nucleotide variant.
Coding change: c.2417A>C on transcript NM_001374259.2 (MANE Select); coding-DNA position 2417, A replaced by C.
Protein change: p.Asp806Ala; replaces aspartic acid 806 with alanine.
Molecular consequence: missense variant. On other transcripts: 3 prime UTR variant (3), non-coding transcript variant (2).
Genome position (GRCh38, 1-based): chr1:67,395,917, A>C. VCF-style: chr1-67395917-A-C. GRCh37 (hg19) VCF-style: chr1-67861600-A-C.
Other names: c.2417A>C (NM_001559.2); c.*337A>C (NM_001258214.1, NM_001319233.1); c.2159A>C, p.Asp720Ala (NM_001258215.1); c.*318A>C (NM_001258216.1); c.2417A>C, p.Asp806Ala (NM_001559.3); short protein forms D720A, D806A.
Identifiers: ClinVar variation 1933533 (VCV001933533.7), dbSNP rs1185561598, ClinGen allele CA340735619.